The following is an entry in ClinVar:

NM_000447.3(PSEN2):c.502A>G (p.Ile168Val)

Gene: PSEN2 (presenilin 2; plus strand). Cytogenetic location: 1q42.13.
Variant type: single nucleotide variant.
Coding change: c.502A>G on transcript NM_000447.3 (MANE Select); coding-DNA position 502, A replaced by G.
Protein change: p.Ile168Val; replaces isoleucine 168 with valine.
Molecular consequence: missense variant.
Genome position (GRCh38, 1-based): chr1:226,888,094, A>G. VCF-style: chr1-226888094-A-G. GRCh37 (hg19) VCF-style: chr1-227075795-A-G.
Other names: c.502A>G, p.Ile168Val (NM_012486.3); short protein forms I168V.
Identifiers: ClinVar variation 3623652 (VCV003623652.2).
Genomic context (GRCh38, chr1:226,888,094, plus strand): 5'-CCTTAGAATTTGTGGCGCTTGGGGACACCTTGTGATCGTGCAATTTCTGTTGTCTAGTTC[A>G]TCCATGGCTGGTTGATCATGTCTTCACTGATGCTGCTGTTCCTCTTCACCTATATCTACC-3'
Protein context (NP_000438.2, residues 158-178): VLYKYRCYKF[Ile168Val]HGWLIMSSLM

ClinVar aggregate classification (germline): Uncertain significance (1 of 4 stars; one submission).

Conditions:
Alzheimer disease 4 (AD4). Identifiers: Orphanet 1020, MedGen C1847200, MONDO:0011743, OMIM 606889.

Submission:

Labcorp Genetics (formerly Invitae), Labcorp
Classification: Uncertain significance for Alzheimer disease 4. Last evaluated: 2024-07-06. Review status: criteria provided, single submitter. Criteria: Invitae Variant Classification Sherloc (09022015). Collection method: clinical testing. Allele origin: germline.
Comment: This sequence change replaces isoleucine, which is neutral and non-polar, with valine, which is neutral and non-polar, at codon 168 of the PSEN2 protein (p.Ile168Val). This variant is not present in population databases (gnomAD no frequency). This variant has not been reported in the literature in individuals affected with PSEN2-related conditions. Advanced modeling of protein sequence and biophysical properties (such as structural, functional, and spatial information, amino acid conservation, physicochemical variation, residue mobility, and thermodynamic stability) performed at Invitae indicates that this missense variant is expected to disrupt PSEN2 protein function with a positive predictive value of 80%. In summary, the available evidence is currently insufficient to determine the role of this variant in disease. Therefore, it has been classified as a Variant of Uncertain Significance.